The following is an entry in ClinVar:

NM_001367823.1(ARHGEF18):c.3873C>G (p.Ser1291Arg)

Gene: ARHGEF18 (Rho/Rac guanine nucleotide exchange factor 18; plus strand). Cytogenetic location: 19p13.2.
Variant type: single nucleotide variant.
Coding change: c.3873C>G on transcript NM_001367823.1 (MANE Select); coding-DNA position 3873, C replaced by G.
Protein change: p.Ser1291Arg; replaces serine 1291 with arginine.
Molecular consequence: missense variant.
Genome position (GRCh38, 1-based): chr19:7,469,989, C>G. VCF-style: chr19-7469989-C-G. GRCh37 (hg19) VCF-style: chr19-7534875-C-G.
Other names: c.3147C>G, p.Ser1049Arg (NM_001130955.2); c.2835C>G, p.Ser945Arg (NM_001367824.1, NM_015318.4); short protein forms S1049R, S1291R, S945R.
Identifiers: ClinVar variation 1487696 (VCV001487696.9), dbSNP rs766134775, ClinGen allele CA9137273.

ClinVar aggregate classification (germline): Uncertain significance. Review status: criteria provided, multiple submitters, no conflicts (2 of 4 stars). 2 submissions from 2 submitters: Uncertain significance (2). Last evaluated 2022-06-27.

gnomAD v4.1: 4 of 1,613,192 alleles (0.00025%); highest among the groups gnomAD compares: Admixed American, 0.0067%; no homozygotes.

Submissions (2):

Labcorp Genetics (formerly Invitae), Labcorp
Classification: Uncertain significance. Last evaluated: 2022-06-27. Review status: criteria provided, single submitter. Criteria: Invitae Variant Classification Sherloc (09022015). Collection method: clinical testing. Allele origin: germline.
Comment: This sequence change replaces serine, which is neutral and polar, with arginine, which is basic and polar, at codon 1103 of the ARHGEF18 protein (p.Ser1103Arg). In summary, the available evidence is currently insufficient to determine the role of this variant in disease. Therefore, it has been classified as a Variant of Uncertain Significance. Algorithms developed to predict the effect of missense changes on protein structure and function (SIFT, PolyPhen-2, Align-GVGD) all suggest that this variant is likely to be disruptive. This variant has not been reported in the literature in individuals affected with ARHGEF18-related conditions. This variant is present in population databases (rs766134775, gnomAD 0.009%).

Blueprint Genetics
Classification: Uncertain significance. Last evaluated: 2019-02-22. Review status: criteria provided, single submitter. Criteria: ACMG Guidelines, 2015. Collection method: clinical testing. Allele origin: germline.